The following is an entry in ClinVar:

NM_001267550.2(TTN):c.104474C>G (p.Ala34825Gly)

Genes: TTN-AS1 (TTN antisense RNA 1; plus strand), TTN (titin; minus strand). Cytogenetic location: 2q31.2.
Variant type: single nucleotide variant.
Coding change: c.104474C>G on transcript NM_001267550.2 (MANE Select); coding-DNA position 104474, C replaced by G.
Protein change: p.Ala34825Gly; replaces alanine 34825 with glycine.
Molecular consequence: missense variant.
Genome position (GRCh38, 1-based): chr2:178,532,141, G>C on the plus strand (C>G on the coding strand, the complement: TTN is on the minus strand). VCF-style: chr2-178532141-G-C. GRCh37 (hg19) VCF-style: chr2-179396868-G-C.
Other names: c.99551C>G, p.Ala33184Gly (NM_001256850.1); c.77279C>G, p.Ala25760Gly (NM_003319.4); c.96770C>G, p.Ala32257Gly (NM_133378.4); c.77654C>G, p.Ala25885Gly (NM_133432.3); c.77855C>G, p.Ala25952Gly (NM_133437.4); short protein forms A25952G, A33184G, A34825G, A25760G, A25885G, A32257G.
Identifiers: ClinVar variation 1437208 (VCV001437208.3), dbSNP rs766157074, ClinGen allele CA349411628.

ClinVar aggregate classification (germline): Uncertain significance (1 of 4 stars; one submission).

Conditions:
Dilated cardiomyopathy 1G (CMD1G). Identifiers: Orphanet 154, MedGen C1858763, MONDO:0011400, OMIM 604145.
Autosomal recessive limb-girdle muscular dystrophy type 2J (LGMDR10). Also called: Limb-girdle muscular dystrophy, type 2J; MUSCULAR DYSTROPHY, LIMB-GIRDLE, AUTOSOMAL RECESSIVE 10. Identifiers: Orphanet 140922, MedGen C1837342, MONDO:0012127, OMIM 608807.

gnomAD v4.1: 1 of 1,613,878 alleles (0.000062%); highest among the groups gnomAD compares: Non-Finnish European, 0.000085%; no homozygotes.

Submission:

Labcorp Genetics (formerly Invitae), Labcorp
Classification: Uncertain significance for Dilated cardiomyopathy 1G; Autosomal recessive limb-girdle muscular dystrophy type 2J. Last evaluated: 2022-08-16. Review status: criteria provided, single submitter. Criteria: Invitae Variant Classification Sherloc (09022015). Collection method: clinical testing. Allele origin: germline.
Comment: This sequence change replaces alanine with glycine at codon 34825 of the TTN protein (p.Ala34825Gly). There is a small physicochemical difference between alanine and glycine. This variant is not present in population databases (gnomAD no frequency). This variant has not been reported in the literature in individuals affected with TTN-related conditions. ClinVar contains an entry for this variant (Variation ID: 1437208). Experimental studies and prediction algorithms are not available or were not evaluated, and the functional significance of this variant is currently unknown. This variant is located in the M band of TTN (PMID: 25589632). Variants in this region may be relevant for neuromuscular disorders, but have not been definitively shown to cause cardiomyopathy (PMID: 23975875). In summary, the available evidence is currently insufficient to determine the role of this variant in disease. Therefore, it has been classified as a Variant of Uncertain Significance.

Literature cited by the submitters: PubMed 25589632; PubMed 23975875.